The following is an entry in ClinVar:

ClinVar aggregate classification (germline): Uncertain significance (1 of 4 stars; one submission).

Allele frequency attached by ClinVar (database versions not stated): gnomAD 0.00006 and 0.00011; ExAC 0.00014; gnomAD exomes 0.00018; 1000 Genomes Project 30x 0.00047; 1000 Genomes Project 0.00060.
gnomAD v4.1: 321 of 1,612,340 alleles (0.02%); highest among the groups gnomAD compares: East Asian, 0.46%; no homozygotes.

Submission:

Labcorp Genetics (formerly Invitae), Labcorp
Classification: Uncertain significance. Last evaluated: 2022-09-27. Review status: criteria provided, single submitter. Criteria: Invitae Variant Classification Sherloc (09022015). Collection method: clinical testing. Allele origin: germline.
Comment: This sequence change replaces alanine, which is neutral and non-polar, with threonine, which is neutral and polar, at codon 2652 of the SPEG protein (p.Ala2652Thr). This variant is present in population databases (rs184030245, gnomAD 0.1%). This variant has not been reported in the literature in individuals affected with SPEG-related conditions. ClinVar contains an entry for this variant (Variation ID: 1398230). Algorithms developed to predict the effect of missense changes on protein structure and function are either unavailable or do not agree on the potential impact of this missense change (SIFT: "Tolerated"; PolyPhen-2: "Possibly Damaging"; Align-GVGD: "Class C0"). In summary, the available evidence is currently insufficient to determine the role of this variant in disease. Therefore, it has been classified as a Variant of Uncertain Significance.

NM_005876.5(SPEG):c.7954G>A (p.Ala2652Thr)

Genes: ASIC4-AS1 (ASIC4 antisense RNA 1; minus strand), SPEG (striated muscle enriched protein kinase; plus strand). Cytogenetic location: 2q35.
Variant type: single nucleotide variant.
Coding change: c.7954G>A on transcript NM_005876.5 (MANE Select); coding-DNA position 7954, G replaced by A.
Protein change: p.Ala2652Thr; replaces alanine 2652 with threonine.
Molecular consequence: missense variant.
Genome position (GRCh38, 1-based): chr2:219,488,593, G>A. VCF-style: chr2-219488593-G-A. GRCh37 (hg19) VCF-style: chr2-220353315-G-A.
Other names: short protein forms A2652T.
Identifiers: ClinVar variation 1398230 (VCV001398230.5), dbSNP rs184030245, ClinGen allele CA2127341.